The following is an entry in ClinVar:

NM_006946.4(SPTBN2):c.3281C>T (p.Pro1094Leu)

Gene: SPTBN2 (spectrin beta, non-erythrocytic 2; minus strand). Cytogenetic location: 11q13.2.
Variant type: single nucleotide variant.
Coding change: c.3281C>T on transcript NM_006946.4 (MANE Select); coding-DNA position 3281, C replaced by T.
Protein change: p.Pro1094Leu; replaces proline 1094 with leucine.
Molecular consequence: missense variant.
Genome position (GRCh38, 1-based): chr11:66,700,818, G>A on the plus strand (C>T on the coding strand, the complement: SPTBN2 is on the minus strand). VCF-style: chr11-66700818-G-A. GRCh37 (hg19) VCF-style: chr11-66468289-G-A.
Other names: short protein forms P1094L.
Identifiers: ClinVar variation 995246 (VCV000995246.6), dbSNP rs748499520, ClinGen allele CA6128897.

ClinVar aggregate classification (germline): Uncertain significance. Review status: criteria provided, multiple submitters, no conflicts (2 of 4 stars). 2 submissions from 2 submitters: Uncertain significance (2). Last evaluated 2024-03-07.

Allele frequency attached by ClinVar (database versions not stated): gnomAD exomes below 0.00001 and 0.00001; TOPMed below 0.00001; ExAC 0.00002.

Submissions (2):

Labcorp Genetics (formerly Invitae), Labcorp
Classification: Uncertain significance. Last evaluated: 2024-03-07. Review status: criteria provided, single submitter. Criteria: Invitae Variant Classification Sherloc (09022015). Collection method: clinical testing. Allele origin: germline.
Comment: This sequence change replaces proline, which is neutral and non-polar, with leucine, which is neutral and non-polar, at codon 1094 of the SPTBN2 protein (p.Pro1094Leu). This variant is present in population databases (rs748499520, gnomAD 0.002%). This variant has not been reported in the literature in individuals affected with SPTBN2-related conditions. ClinVar contains an entry for this variant (Variation ID: 995246). Advanced modeling of protein sequence and biophysical properties (such as structural, functional, and spatial information, amino acid conservation, physicochemical variation, residue mobility, and thermodynamic stability) performed at Invitae indicates that this missense variant is expected to disrupt SPTBN2 protein function with a positive predictive value of 80%. In summary, the available evidence is currently insufficient to determine the role of this variant in disease. Therefore, it has been classified as a Variant of Uncertain Significance.

Athena Diagnostics
Classification: Uncertain significance. Last evaluated: 2020-06-03. Review status: criteria provided, single submitter. Criteria: Athena Diagnostics Criteria. Collection method: clinical testing. Allele origin: unknown.